The following is an entry in ClinVar:

ClinVar aggregate classification (germline): Uncertain significance. Review status: criteria provided, single submitter (1 of 4 stars). 2 submissions from 2 submitters: Uncertain significance (1). 1 of the submissions does not count toward it. Last evaluated 2013-05-13.

Conditions:
Autosomal recessive nonsyndromic hearing loss 77. Identifiers: Orphanet 90636, MedGen C2746083, MONDO:0013119, OMIM 613079.

Allele frequency attached by ClinVar (database versions not stated): ExAC 0.00006; TOPMed 0.00009; 1000 Genomes Project 30x 0.00016.
gnomAD v4.1: 25 of 1,531,776 alleles (0.0016%); highest among the groups gnomAD compares: African/African-American, 0.03%; no homozygotes.

Submissions (2):

Laboratory for Molecular Medicine, Mass General Brigham Personalized Medicine
Classification: Uncertain significance. Last evaluated: 2013-05-13. Review status: criteria provided, single submitter. Criteria: LMM Criteria. Collection method: clinical testing. Allele origin: germline. Observed: 1 variant allele.
Comment: Variant classified as Uncertain Significance - Favor Benign. The Val1364Leu vari ant in LOXHD1 has not been reported in individuals with hearing loss, but has be en identified in 2/178 (1%) Japanese chromosomes by the 1000 Genomes Project (db SNP rs144935513). Although this variant has been seen in the general population, the sample size is not large enough to rule out a pathogenic role. Computationa l analyses (biochemical amino acid properties, conservation, AlignGVGD, and SIFT ) suggest that the variant may not impact the protein, though this information i s not predictive enough to rule out pathogenicity. In summary, the clinical sign ificance of this variant cannot be determined with certainty; however, based upo n its presence in the general population and the computational data, we lean tow ards a more likely benign role.

Natera, Inc.
Classification: Uncertain significance for Autosomal recessive deafness type 77. Last evaluated: 2019-10-28. Review status: no assertion criteria provided. Collection method: clinical testing. Allele origin: germline. Not counted in ClinVar's aggregate classification.

NM_001384474.1(LOXHD1):c.4090G>T (p.Val1364Leu)

Gene: LOXHD1 (lipoxygenase homology PLAT domains 1; minus strand). Cytogenetic location: 18q21.1.
Variant type: single nucleotide variant.
Coding change: c.4090G>T on transcript NM_001384474.1 (MANE Select); coding-DNA position 4090, G replaced by T.
Protein change: p.Val1364Leu; replaces valine 1364 with leucine.
Molecular consequence: missense variant.
Genome position (GRCh38, 1-based): chr18:46,538,161, C>A on the plus strand (G>T on the coding strand, the complement: LOXHD1 is on the minus strand). VCF-style: chr18-46538161-C-A. GRCh37 (hg19) VCF-style: chr18-44118124-C-A.
Other names: c.757G>T, p.Val253Leu (NM_001145472.3); c.469G>T, p.Val157Leu (NM_001308013.2); c.4090G>T, p.Val1364Leu (NM_144612.7); short protein forms V1364L, V157L, V253L.
Identifiers: ClinVar variation 163911 (VCV000163911.5), dbSNP rs144935513, ClinGen allele CA176628.